The following is an entry in ClinVar:

NM_001142800.2(EYS):c.5443C>A (p.Pro1815Thr)

Gene: EYS (EGF-like photoreceptor maintenance factor; minus strand). Cytogenetic location: 6q12.
Variant type: single nucleotide variant.
Coding change: c.5443C>A on transcript NM_001142800.2 (MANE Select); coding-DNA position 5443, C replaced by A.
Protein change: p.Pro1815Thr; replaces proline 1815 with threonine.
Molecular consequence: missense variant.
Genome position (GRCh38, 1-based): chr6:64,590,424, G>T on the plus strand (C>A on the coding strand, the complement: EYS is on the minus strand). VCF-style: chr6-64590424-G-T. GRCh37 (hg19) VCF-style: chr6-65300317-G-T.
Other names: c.5443C>A, p.Pro1815Thr (NM_001292009.2); short protein forms P1815T.
Identifiers: ClinVar variation 2002758 (VCV002002758.4), dbSNP rs2533149284, ClinGen allele CA364781099.

ClinVar aggregate classification (germline): Uncertain significance (1 of 4 stars; one submission).

Submission:

Labcorp Genetics (formerly Invitae), Labcorp
Classification: Uncertain significance. Last evaluated: 2022-06-08. Review status: criteria provided, single submitter. Criteria: Invitae Variant Classification Sherloc (09022015). Collection method: clinical testing. Allele origin: germline.
Comment: This sequence change replaces proline, which is neutral and non-polar, with threonine, which is neutral and polar, at codon 1815 of the EYS protein (p.Pro1815Thr). This variant is not present in population databases (gnomAD no frequency). In summary, the available evidence is currently insufficient to determine the role of this variant in disease. Therefore, it has been classified as a Variant of Uncertain Significance. Algorithms developed to predict the effect of missense changes on protein structure and function are either unavailable or do not agree on the potential impact of this missense change (SIFT: "Tolerated"; PolyPhen-2: "Probably Damaging"; Align-GVGD: "Class C0"). This variant has not been reported in the literature in individuals affected with EYS-related conditions.